The following is an entry in ClinVar:

ClinVar aggregate classification (germline): Pathogenic (0 of 4 stars; one submission).

Submission:

GenMed Metabolism Lab
Classification: Pathogenic. Review status: no assertion criteria provided. Collection method: not provided. Allele origin: unknown.
ClinVar note: Converted during submission from pathogenic to Pathogenic.

NM_000531.6(OTC):c.359_360del (p.Val120fs)

Gene: OTC (ornithine transcarbamylase; plus strand). Cytogenetic location: Xp11.4.
Variant type: Microsatellite.
Coding change: c.359_360del on transcript NM_000531.6 (MANE Select); coding-DNA positions 359 to 360, 2 bases deleted (TG; older notation c.359_360delTG).
Protein change: p.Val120fs; shifts the reading frame from valine 120.
Molecular consequence: frameshift variant.
Genome position (GRCh38, 1-based): chrX:38,381,402-38,381,403, TG deleted; deleting any 2 consecutive bases within chrX:38,381,399-38,381,403 gives the same sequence; the c. name uses the placement nearest the transcript's 3' end. VCF-style (leftmost placement, unchanged base first): chrX-38381398-GGT-G. GRCh37 (hg19) VCF-style: chrX-38240651-GGT-G.
Other names: short protein forms V120fs.
Identifiers: ClinVar variation 97173 (VCV000097173.2), dbSNP rs72554354, ClinGen allele CA224561.
Genomic context (GRCh38, chrX:38,381,398, plus strand): 5'-GTAGGCTTTGCACTTCTGGGAGGACATCCTTGTTTTCTTACCACACAAGATATTCATTTG[GGT>G]GTGAATGAAAGTCTCACGGACACGGCCCGGTTTGTAAATATTTTCTTCTCTCCAAAGCTG-3'